The following is an entry in ClinVar:

ClinVar aggregate classification (germline): Uncertain significance (1 of 4 stars; one submission).

gnomAD v4.1: 8 of 1,613,926 alleles (0.0005%); highest among the groups gnomAD compares: Non-Finnish European, 0.00068%; no homozygotes.

Submission:

Labcorp Genetics (formerly Invitae), Labcorp
Classification: Uncertain significance. Last evaluated: 2022-07-05. Review status: criteria provided, single submitter. Criteria: Invitae Variant Classification Sherloc (09022015). Collection method: clinical testing. Allele origin: germline.
Comment: In summary, the available evidence is currently insufficient to determine the role of this variant in disease. Therefore, it has been classified as a Variant of Uncertain Significance. Algorithms developed to predict the effect of missense changes on protein structure and function output the following: SIFT: "Not Available"; PolyPhen-2: "Benign"; Align-GVGD: "Not Available". The serine amino acid residue is found in multiple mammalian species, which suggests that this missense change does not adversely affect protein function. ClinVar contains an entry for this variant (Variation ID: 1359337). This variant has not been reported in the literature in individuals affected with OAS1-related conditions. This variant is not present in population databases (gnomAD no frequency). This sequence change replaces arginine, which is basic and polar, with serine, which is neutral and polar, at codon 289 of the OAS1 protein (p.Arg289Ser).

NM_016816.4(OAS1):c.867G>T (p.Arg289Ser)

Gene: OAS1 (2'-5'-oligoadenylate synthetase 1; plus strand). Cytogenetic location: 12q24.13.
Variant type: single nucleotide variant.
Coding change: c.867G>T on transcript NM_016816.4 (MANE Select); coding-DNA position 867, G replaced by T.
Protein change: p.Arg289Ser; replaces arginine 289 with serine.
Molecular consequence: missense variant.
Genome position (GRCh38, 1-based): chr12:112,916,721, G>T. VCF-style: chr12-112916721-G-T. GRCh37 (hg19) VCF-style: chr12-113354526-G-T.
Other names: c.867G>T, p.Arg289Ser (NM_001032409.3, NM_001320151.2, NM_002534.4); short protein forms R289S.
Identifiers: ClinVar variation 1359337 (VCV001359337.8), dbSNP rs1379368384, ClinGen allele CA386807030.